The following is an entry in ClinVar:

NM_001451.3(FOXF1):c.36CGG[5] (p.Gly21_Gly23del)

Gene: FOXF1 (forkhead box F1; plus strand). Cytogenetic location: 16q24.1.
Variant type: Microsatellite.
Coding change: c.36CGG[5] on transcript NM_001451.3 (MANE Select); five copies in a row of the 3-base unit CGG starting at c.36; the reference has eight copies in a row; three copies, 9 bases deleted.
Protein change: p.Gly21_Gly23del.
Molecular consequence: inframe deletion.
Genome position (GRCh38, 1-based): chr16:86,510,620-86,510,628, CGGCGGCGG deleted; deleting any 9 consecutive bases within chr16:86,510,605-86,510,628 gives the same sequence; the position shown is the placement nearest the transcript's 3' end. VCF-style (leftmost placement, unchanged base first): chr16-86510604-ACGGCGGCGG-A. GRCh37 (hg19) VCF-style: chr16-86544210-ACGGCGGCGG-A.
Identifiers: ClinVar variation 2068637 (VCV002068637.4), dbSNP rs574179816, ClinGen allele CA8217337.
Genomic context (GRCh38, chr16:86,510,604, plus strand): 5'-GCGGCGGCGGCGGCAGCAGCCACCCGATGTCTTCGGCGCCCGAGAAGCAGCAGCCACCGC[ACGGCGGCGG>A]CGGCGGCGGCGGCGGGGGAGGCGGCGCGGCCATGGACCCCGCGTCGTCCGGCCCGTCCAA-3'

ClinVar aggregate classification (germline): Uncertain significance (1 of 4 stars; one submission).

Submission:

Labcorp Genetics (formerly Invitae), Labcorp
Classification: Uncertain significance. Last evaluated: 2023-08-28. Review status: criteria provided, single submitter. Criteria: Invitae Variant Classification Sherloc (09022015). Collection method: clinical testing. Allele origin: germline.
Comment: This variant, c.51_59del, results in the deletion of 3 amino acid(s) of the FOXF1 protein (p.Gly21_Gly23del), but otherwise preserves the integrity of the reading frame. In summary, the available evidence is currently insufficient to determine the role of this variant in disease. Therefore, it has been classified as a Variant of Uncertain Significance. Experimental studies and prediction algorithms are not available or were not evaluated, and the functional significance of this variant is currently unknown. This variant has not been reported in the literature in individuals affected with FOXF1-related conditions. The frequency data for this variant in the population databases is considered unreliable, as metrics indicate poor data quality at this position in the gnomAD database.